The following is an entry in ClinVar:

ClinVar aggregate classification (germline): Uncertain significance (1 of 4 stars; one submission).

Submission:

Labcorp Genetics (formerly Invitae), Labcorp
Classification: Uncertain significance. Last evaluated: 2023-04-20. Review status: criteria provided, single submitter. Criteria: Invitae Variant Classification Sherloc (09022015). Collection method: clinical testing. Allele origin: germline.
Comment: In summary, the available evidence is currently insufficient to determine the role of this variant in disease. Therefore, it has been classified as a Variant of Uncertain Significance. An algorithm developed to predict the effect of missense changes on protein structure and function (PolyPhen-2) suggests that this variant is likely to be tolerated. This variant has not been reported in the literature in individuals affected with CHM-related conditions. This variant is not present in population databases (gnomAD no frequency). This sequence change replaces histidine, which is basic and polar, with asparagine, which is neutral and polar, at codon 122 of the CHM protein (p.His122Asn).

NM_000390.4(CHM):c.364C>A (p.His122Asn)

Genes: CHM (CHM Rab escort protein; minus strand), LOC129391306 (MPRA-validated peak7401 silencer; plus strand). Cytogenetic location: Xq21.2.
Variant type: single nucleotide variant.
Coding change: c.364C>A on transcript NM_000390.4 (MANE Select); coding-DNA position 364, C replaced by A.
Protein change: p.His122Asn; replaces histidine 122 with asparagine.
Molecular consequence: missense variant. On other transcripts: 5 prime UTR variant (4).
Genome position (GRCh38, 1-based): chrX:85,964,003, G>T on the plus strand (C>A on the coding strand, the complement: CHM is on the minus strand). VCF-style: chrX-85964003-G-T. GRCh37 (hg19) VCF-style: chrX-85219008-G-T.
Other names: c.-81C>A (NM_001320959.1, NM_001362517.1, NM_001362518.2 and 1 more transcripts); short protein forms H122N.
Identifiers: ClinVar variation 2833750 (VCV002833750.3), dbSNP rs1311851637, ClinGen allele CA413787346.